The following is an entry in ClinVar:

NM_017433.5(MYO3A):c.1561A>G (p.Ile521Val)

Gene: MYO3A (myosin IIIA; plus strand). Cytogenetic location: 10p12.1.
Variant type: single nucleotide variant.
Coding change: c.1561A>G on transcript NM_017433.5 (MANE Select); coding-DNA position 1561, A replaced by G.
Protein change: p.Ile521Val; replaces isoleucine 521 with valine.
Molecular consequence: missense variant.
Genome position (GRCh38, 1-based): chr10:26,088,404, A>G. VCF-style: chr10-26088404-A-G. GRCh37 (hg19) VCF-style: chr10-26377333-A-G.
Other names: short protein forms I521V.
Identifiers: ClinVar variation 2611117 (VCV002611117.3), dbSNP rs1198353048, ClinGen allele CA376336161.

ClinVar aggregate classification (germline): Uncertain significance. Review status: criteria provided, multiple submitters, no conflicts (2 of 4 stars). 2 submissions from 2 submitters: Uncertain significance (2). Last evaluated 2025-07-13.

Conditions:
Inborn genetic diseases. Identifiers: MedGen C0950123, MeSH D030342.

Allele frequency attached by ClinVar (database versions not stated): gnomAD 0.00001; TOPMed 0.00001.
gnomAD v4.1: 1 of 1,611,984 alleles (0.000062%); highest among the groups gnomAD compares: African/African-American, 0.0013%; no homozygotes.

Submissions (2):

Labcorp Genetics (formerly Invitae), Labcorp
Classification: Uncertain significance. Last evaluated: 2025-07-13. Review status: criteria provided, single submitter. Criteria: Invitae Variant Classification Sherloc (09022015). Collection method: clinical testing. Allele origin: germline.
Comment: This sequence change replaces isoleucine, which is neutral and non-polar, with valine, which is neutral and non-polar, at codon 521 of the MYO3A protein (p.Ile521Val). This variant is not present in population databases (gnomAD no frequency). This variant has not been reported in the literature in individuals affected with MYO3A-related conditions. ClinVar contains an entry for this variant (Variation ID: 2611117). An algorithm developed to predict the effect of missense changes on protein structure and function outputs the following: PolyPhen-2: "Benign". The valine amino acid residue is found in multiple mammalian species, which suggests that this missense change does not adversely affect protein function. In summary, the available evidence is currently insufficient to determine the role of this variant in disease. Therefore, it has been classified as a Variant of Uncertain Significance.

Ambry Genetics
Classification: Uncertain significance for Inborn genetic diseases. Last evaluated: 2023-07-12. Review status: criteria provided, single submitter. Criteria: Ambry Variant Classification Scheme 2023. Collection method: clinical testing. Allele origin: germline.